The following is an entry in ClinVar:

NM_032043.3(BRIP1):c.379+8A>C

Gene: BRIP1 (BRCA1 interacting DNA helicase 1; minus strand). Cytogenetic location: 17q23.2.
Variant type: single nucleotide variant.
Coding change: c.379+8A>C on transcript NM_032043.3 (MANE Select); 8 bases into the intron after coding-DNA position 379, A replaced by C.
Molecular consequence: intron variant.
Genome position (GRCh38, 1-based): chr17:61,857,050, T>G on the plus strand (A>C on the coding strand, the complement: BRIP1 is on the minus strand). VCF-style: chr17-61857050-T-G. GRCh37 (hg19) VCF-style: chr17-59934411-T-G.
Identifiers: ClinVar variation 377589 (VCV000377589.16), dbSNP rs1057520254, ClinGen allele CA16607800.

ClinVar aggregate classification (germline): Likely benign. Review status: criteria provided, multiple submitters, no conflicts (2 of 4 stars). 4 submissions from 4 submitters: Likely benign (4). Last evaluated 2026-01-04.

Conditions:
Hereditary cancer-predisposing syndrome. Also called: Hereditary neoplastic syndrome; Tumor predisposition; Neoplastic Syndromes, Hereditary; Hereditary Cancer Syndrome. Identifiers: Orphanet 140162, MedGen C0027672, MeSH D009386, MONDO:0015356.
Familial cancer of breast. Also called: Hereditary breast cancer; BREAST CANCER, FAMILIAL; hereditary breast carcinoma. Identifiers: Orphanet 227535, MedGen C0346153, MONDO:0016419, OMIM 114480. Disease mechanism: loss of function.
Fanconi anemia complementation group J. Also called: BRIP1-Related Fanconi Anemia. Identifiers: Orphanet 84, MedGen C1836860, MONDO:0012187, OMIM 609054.

Submissions (4):

Labcorp Genetics (formerly Invitae), Labcorp
Classification: Likely benign for Familial cancer of breast; Fanconi anemia complementation group J. Last evaluated: 2026-01-04. Review status: criteria provided, single submitter. Criteria: Invitae Variant Classification Sherloc (09022015). Collection method: clinical testing. Allele origin: germline.

Myriad Genetics, Inc.
Classification: Likely benign for Familial cancer of breast. Last evaluated: 2024-08-21. Review status: criteria provided, single submitter. Criteria: Myriad Autosomal Dominant, Autosomal Recessive and X-Linked Classification Criteria (2023). Collection method: clinical testing. Allele origin: unknown.
Comment: This variant is considered likely benign. This variant is intronic and is not expected to impact mRNA splicing.

GeneDx
Classification: Likely benign. Last evaluated: 2016-09-30. Review status: criteria provided, single submitter. Criteria: GeneDx Variant Classification (06012015). Collection method: clinical testing. Allele origin: germline. Affected: yes.
Comment: This variant is considered likely benign or benign based on one or more of the following criteria: it is a conservative change, it occurs at a poorly conserved position in the protein, it is predicted to be benign by multiple in silico algorithms, and/or has population frequency not consistent with disease.

Color Diagnostics, LLC DBA Color Health
Classification: Likely benign for Hereditary cancer-predisposing syndrome. Last evaluated: 2016-03-07. Review status: criteria provided, single submitter. Criteria: ACMG Guidelines, 2015. Collection method: clinical testing. Allele origin: germline.